The following is an entry in ClinVar:

NM_000552.5(VWF):c.7096G>T (p.Glu2366Ter)

Gene: VWF (von Willebrand factor; minus strand). Cytogenetic location: 12p13.31.
Variant type: single nucleotide variant.
Coding change: c.7096G>T on transcript NM_000552.5 (MANE Select); coding-DNA position 7096, G replaced by T.
Protein change: p.Glu2366Ter; replaces glutamic acid 2366 with a stop codon.
Molecular consequence: nonsense.
Genome position (GRCh38, 1-based): chr12:5,981,977, C>A on the plus strand (G>T on the coding strand, the complement: VWF is on the minus strand). VCF-style: chr12-5981977-C-A. GRCh37 (hg19) VCF-style: chr12-6091143-C-A.
Other names: short protein forms E2366*.
Identifiers: ClinVar variation 4689642 (VCV004689642.1).

ClinVar aggregate classification (germline): Pathogenic (1 of 4 stars; one submission).

Conditions:
von Willebrand disorder (VWD). Also called: von Willebrand Diseases; Von Willebrand disease (hereditary or acquired); von Willebrand's disease. Identifiers: MedGen C0042974, MeSH D014842, MONDO:0024574.

Submission:

Women's Health and Genetics/Laboratory Corporation of America, LabCorp
Classification: Pathogenic for von Willebrand disorder. Last evaluated: 2026-01-05. Review status: criteria provided, single submitter. Criteria: LabCorp Variant Classification Summary - May 2015. Collection method: clinical testing. Allele origin: germline.
Comment: Variant summary: VWF c.7096G>T (p.Glu2366X) results in a premature termination codon, predicted to cause a truncation of the encoded protein or absence of the protein due to nonsense mediated decay, which are commonly known mechanisms for disease. The variant was absent in 249396 control chromosomes. To our knowledge, no occurrence of c.7096G>T in individuals affected with VWF-related conditions and no experimental evidence demonstrating its impact on protein function have been reported. No submitters have cited clinical-significance assessments for this variant to ClinVar. Based on the evidence outlined above, the variant was classified as pathogenic.